The following is an entry in ClinVar:

ClinVar aggregate classification (germline): Likely pathogenic (1 of 4 stars; one submission).

Conditions:
Autosomal dominant and autosomal recessive DEPDC5-related disorders.

Submission:

Variantyx, Inc.
Classification: Likely pathogenic for Autosomal dominant and autosomal recessive DEPDC5-related disorders. Last evaluated: 2025-11-24. Review status: criteria provided, single submitter. Criteria: Variantyx Assertion Criteria 2022. Collection method: clinical testing. Allele origin: germline. Inheritance: Autosomal dominant inheritance. Affected: yes.
Comment: This is a frameshift variant in the DEPDC5 gene (OMIM: 614191). Pathogenic variants in this gene have been associated with autosomal dominant and recessive DEPDC5-related disorders. The alteration introduces a premature termination codon in exon 29 out of 43 and is expected to result in loss of function, which is a known disease mechanism for DEPDC5 in this disorder (PMID: 23542697) (PVS1). This variant is absent from control populations (PM2), and it has not been reported in individuals with DEPDC5-related disorders in the databases available for review. Based on the current evidence, this variant is classified as likely pathogenic for autosomal dominant and recessive DEPDC5-related disorders.

Literature cited by the submitters: PubMed 23542697.

NM_001242896.3(DEPDC5):c.2760_2763del (p.Asn919_Tyr920insTer)

Gene: DEPDC5 (DEP domain containing 5, GATOR1 subcomplex subunit; plus strand). Cytogenetic location: 22q12.3.
Variant type: Deletion.
Coding change: c.2760_2763del on transcript NM_001242896.3 (MANE Select); coding-DNA positions 2760 to 2763, 4 bases deleted (CTTA; older notation c.2760_2763delCTTA).
Protein change: p.Asn919_Tyr920insTer.
Molecular consequence: nonsense. On other transcripts: non-coding transcript variant (5).
Genome position (GRCh38, 1-based): chr22:31,843,771-31,843,774, CTTA deleted; deleting any 4 consecutive bases within chr22:31,843,768-31,843,774 gives the same sequence; the c. name uses the placement nearest the transcript's 3' end. VCF-style (leftmost placement, unchanged base first): chr22-31843767-ATTAC-A. GRCh37 (hg19) VCF-style: chr22-32239753-ATTAC-A.
Other names: c.2733_2736del, p.Asn910_Tyr911insTer (NM_014662.6, NM_001136029.4, NM_001369903.1); c.2526_2529del, p.Asn841_Tyr842insTer (NM_001242897.2, NM_001363854.2, NM_001364319.2); c.2760_2763del, p.Asn919_Tyr920insTer (NM_001363852.2, NM_001364318.2, NM_001364320.2); c.2676_2679del, p.Asn891_Tyr892insTer (NM_001369901.1, NM_001369902.1).
Identifiers: ClinVar variation 4852245 (VCV004852245.1).